The following is an entry in ClinVar:

NM_000059.4(BRCA2):c.4544del (p.Lys1515fs)

Gene: BRCA2 (BRCA2 DNA repair associated; plus strand). Cytogenetic location: 13q13.1.
Variant type: Deletion.
Coding change: c.4544del on transcript NM_000059.4 (MANE Select); coding-DNA position 4544, one base deleted (A; older notation c.4544delA).
Protein change: p.Lys1515fs; shifts the reading frame from lysine 1515.
Molecular consequence: frameshift variant.
Genome position (GRCh38, 1-based): chr13:32,338,899, A deleted; the last of 4 consecutive A bases (chr13:32,338,896-32,338,899); deleting any one gives the same sequence. VCF-style (leftmost placement, unchanged base first): chr13-32338895-GA-G. GRCh37 (hg19) VCF-style: chr13-32913032-GA-G.
Other names: c.4544delA (NM_000059.3); c.4541delA (NM_000059.3); short protein forms K1515fs.
Identifiers: ClinVar variation 51666 (VCV000051666.18), dbSNP rs397507725, ClinGen allele CA020378.
Genomic context (GRCh38, chr13:32,338,895, plus strand): 5'-AGTGTCCCAGTTGGTACTGGAAATCAACTAGTGACCTTCCAGGGACAACCCGAACGTGAT[GA>G]AAAGATCAAAGAACCTACTCTATTGGGTTTTCATACAGCTAGCGGGAAAAAAGTTAAAAT-3'

ClinVar aggregate classification (germline): Pathogenic. Review status: reviewed by expert panel (3 of 4 stars). 7 submissions from 7 submitters: Pathogenic (1). 6 of the submissions do not count toward it. Last evaluated 2017-12-15.

Conditions:
Hereditary breast ovarian cancer syndrome. Also called: Hereditary breast and ovarian cancer syndrome; Hereditary breast and ovarian cancer; Hereditary breast and ovarian cancer syndrome (HBOC); Breast and ovarian cancer; Hereditary breast and/or ovarian cancer syndrome; BRCA1- and BRCA2-Associated Hereditary Breast and Ovarian Cancer. Identifiers: Orphanet 145, MedGen C0677776, MeSH D061325, MONDO:0003582. Disease mechanism: loss of function.
Breast-ovarian cancer, familial, susceptibility to, 2 (BROVCA2). Also called: BRCA2 Hereditary Breast and Ovarian Cancer. Identifiers: Orphanet 145, MedGen C2675520, MONDO:0012933, OMIM 612555. Disease mechanism: loss of function.
Breast and/or ovarian cancer. Identifiers: MedGen CN221562.
Hereditary cancer-predisposing syndrome. Also called: Neoplastic Syndromes, Hereditary; Tumor predisposition; Hereditary Cancer Syndrome; Hereditary neoplastic syndrome. Identifiers: Orphanet 140162, MedGen C0027672, MeSH D009386, MONDO:0015356.
Familial cancer of breast. Also called: BREAST CANCER, FAMILIAL; Hereditary breast cancer; hereditary breast carcinoma. Identifiers: Orphanet 227535, MedGen C0346153, MONDO:0016419, OMIM 114480. Disease mechanism: loss of function.

Submissions (7):

Evidence-based Network for the Interpretation of Germline Mutant Alleles (ENIGMA)
Classification: Pathogenic for Breast-ovarian cancer, familial, susceptibility to, 2. Last evaluated: 2017-12-15. Review status: reviewed by expert panel. Criteria: ENIGMA BRCA1/2 Classification Criteria (2017-06-29). Collection method: curation. Allele origin: germline. Study: ENIGMA.
Comment: Variant allele predicted to encode a truncated non-functional protein.

Labcorp Genetics (formerly Invitae), Labcorp
Classification: Pathogenic for Hereditary breast ovarian cancer syndrome. Last evaluated: 2025-12-24. Review status: criteria provided, single submitter. Criteria: Invitae Variant Classification Sherloc (09022015). Collection method: clinical testing. Allele origin: germline. Not counted in ClinVar's aggregate classification.
Comment: This sequence change creates a premature translational stop signal (p.Lys1515Argfs*28) in the BRCA2 gene. It is expected to result in an absent or disrupted protein product. Loss-of-function variants in BRCA2 are known to be pathogenic (PMID: 20104584). This variant is not present in population databases (gnomAD no frequency). This premature translational stop signal has been observed in individual(s) with breast cancer (PMID: 11556836, 29021639). This variant is also known as 4772delA. ClinVar contains an entry for this variant (Variation ID: 51666). For these reasons, this variant has been classified as Pathogenic.

Color Diagnostics, LLC DBA Color Health
Classification: Pathogenic for Hereditary cancer-predisposing syndrome. Last evaluated: 2024-10-21. Review status: criteria provided, single submitter. Criteria: ACMG Guidelines, 2015. Collection method: clinical testing. Allele origin: germline. Not counted in ClinVar's aggregate classification.
Comment: This variant deletes 1 nucleotide in exon 11 of the BRCA2 gene, creating a frameshift and premature translation stop signal. This variant is expected to result in an absent or non-functional protein product. This variant has been reported in a mother and a daughter both affected with bilateral breast cancer and an individual affected with ovarian cancer and in a suspected hereditary breast and ovarian cancer family (PMID: 11556836, 29021639, 35382848), and this variant also have been reported in an individual affected with pancreatic cancer (PMID: 34399810). This variant has not been identified in the general population by the Genome Aggregation Database (gnomAD). Loss of BRCA2 function is a known mechanism of disease. Based on the available evidence, this variant is classified as Pathogenic.

Baylor Genetics
Classification: Pathogenic for Familial cancer of breast. Last evaluated: 2022-06-21. Review status: criteria provided, single submitter. Criteria: ACMG Guidelines, 2015. Collection method: clinical testing. Allele origin: unknown. Not counted in ClinVar's aggregate classification.

Quest Diagnostics Nichols Institute San Juan Capistrano
Classification: Pathogenic. Last evaluated: 2019-08-15. Review status: criteria provided, single submitter. Criteria: Quest Diagnostics criteria. Collection method: clinical testing. Allele origin: germline. Not counted in ClinVar's aggregate classification.
Comment: The variant results in a shift of the reading frame, and is therefore predicted to result in the loss of a functional protein. Found in at least one symptomatic patient, and not found in general population data.

CZECANCA consortium
Classification: Pathogenic for Breast and/or ovarian cancer. Last evaluated: 2019-06-11. Review status: no assertion criteria provided. Collection method: clinical testing. Allele origin: germline. Affected: yes. Observed: 1 variant allele. Not counted in ClinVar's aggregate classification.

ClinVar Staff, National Center for Biotechnology Information (NCBI)
No classification provided. Condition: Familial cancer of breast. Review status: no classification provided. Collection method: literature only. Allele origin: germline. Affected: yes. Not counted in ClinVar's aggregate classification.

Literature cited by the submitters: PubMed 20104584 (cited by Labcorp Genetics (formerly Invitae), Labcorp); PubMed 11556836 (cited by 4 submitters); PubMed 29021639 (cited by 3 submitters); PubMed 34399810 (cited by Color Diagnostics, LLC DBA Color Health); PubMed 35382848 (cited by Color Diagnostics, LLC DBA Color Health); PubMed 32295079 (cited by CZECANCA consortium).